The following is an entry in ClinVar:

ClinVar aggregate classification (germline): Uncertain significance. Review status: criteria provided, multiple submitters, no conflicts (2 of 4 stars). 2 submissions from 2 submitters: Uncertain significance (2). Last evaluated 2023-11-27.

Allele frequency attached by ClinVar (database versions not stated): ExAC 0.00003; gnomAD exomes 0.00003.
gnomAD v4.1: 55 of 1,604,224 alleles (0.0034%); highest among the groups gnomAD compares: African/African-American, 0.012%; no homozygotes.

Submissions (2):

Labcorp Genetics (formerly Invitae), Labcorp
Classification: Uncertain significance. Last evaluated: 2023-11-27. Review status: criteria provided, single submitter. Criteria: Invitae Variant Classification Sherloc (09022015). Collection method: clinical testing. Allele origin: germline.
Comment: This sequence change replaces asparagine, which is neutral and polar, with serine, which is neutral and polar, at codon 1226 of the COL18A1 protein (p.Asn1226Ser). This variant is present in population databases (rs755671130, gnomAD 0.005%). This variant has not been reported in the literature in individuals affected with COL18A1-related conditions. ClinVar contains an entry for this variant (Variation ID: 1500493). Experimental studies and prediction algorithms are not available or were not evaluated, and the functional significance of this variant is currently unknown. In summary, the available evidence is currently insufficient to determine the role of this variant in disease. Therefore, it has been classified as a Variant of Uncertain Significance.

GeneDx
Classification: Uncertain significance. Last evaluated: 2022-09-29. Review status: criteria provided, single submitter. Criteria: GeneDx Variant Classification Process June 2021. Collection method: clinical testing. Allele origin: germline. Affected: yes.
Comment: In-silico analysis is inconclusive as to whether the variant alters gene splicing. In the absence of RNA/functional studies, the actual effect of this sequence change is unknown.; In silico analysis supports that this missense variant has a deleterious effect on protein structure/function; Has not been previously published as pathogenic or benign to our knowledge

NM_001379500.1(COL18A1):c.3686A>G (p.Asn1229Ser)

Genes: COL18A1 (collagen type XVIII alpha 1 chain; plus strand), SLC19A1 (solute carrier family 19 member 1; minus strand). Cytogenetic location: 21q22.3.
Variant type: single nucleotide variant.
Coding change: c.3686A>G on transcript NM_001379500.1 (MANE Select); coding-DNA position 3686, A replaced by G.
Protein change: p.Asn1229Ser; replaces asparagine 1229 with serine.
Molecular consequence: missense variant.
Genome position (GRCh38, 1-based): chr21:45,510,254, A>G. VCF-style: chr21-45510254-A-G. GRCh37 (hg19) VCF-style: chr21-46930168-A-G.
Other names: NM_130445.2:c.3677A>G; c.4217A>G, p.Asn1406Ser (NM_030582.4); c.4922A>G, p.Asn1641Ser (NM_130444.3); short protein forms N1406S, N1229S, N1641S.
Identifiers: ClinVar variation 1500493 (VCV001500493.5), dbSNP rs755671130, ClinGen allele CA10068006.
Genomic context (GRCh38, chr21:45,510,254, plus strand): 5'-GCCTGCAGGACCTGTACAGCATCGTGCGCCGTGCCGACCGCGCAGCCGTGCCCATCGTCA[A>G]CCTCAAGGTGGGTCAGTCCAGTCCTGAGGGCGCGGGCTCCTCGGCCCCCACTTGACCTCT-3'
Protein context (NP_001366429.1, residues 1219-1239): RADRAAVPIV[Asn1229Ser]LKDELLFPSW